The following is an entry in ClinVar:

NM_138387.4(G6PC3):c.386T>G (p.Leu129Arg)

Gene: G6PC3 (glucose-6-phosphatase catalytic subunit 3; plus strand). Cytogenetic location: 17q21.31.
Variant type: single nucleotide variant.
Coding change: c.386T>G on transcript NM_138387.4 (MANE Select); coding-DNA position 386, T replaced by G.
Protein change: p.Leu129Arg; replaces leucine 129 with arginine.
Molecular consequence: missense variant.
Genome position (GRCh38, 1-based): chr17:44,074,740, T>G. VCF-style: chr17-44074740-T-G. GRCh37 (hg19) VCF-style: chr17-42152108-T-G.
Other names: c.386T>G, p.Leu129Arg (NM_001319945.2); c.41T>G, p.Leu14Arg (NM_001384165.1, NM_001384166.1, NM_001384167.1 and 1 more transcripts); short protein forms L129R, L14R.
Identifiers: ClinVar variation 4260998 (VCV004260998.1).

ClinVar aggregate classification (germline): Uncertain significance (1 of 4 stars; one submission).

Conditions:
Inborn genetic diseases. Identifiers: MedGen C0950123, MeSH D030342.

Submission:

Ambry Genetics
Classification: Uncertain significance for Inborn genetic diseases. Last evaluated: 2025-08-20. Review status: criteria provided, single submitter. Criteria: Ambry Variant Classification Scheme 2023. Collection method: clinical testing. Allele origin: germline.
Comment: The p.L129R variant (also known as c.386T>G), located in coding exon 3 of the G6PC3 gene, results from a T to G substitution at nucleotide position 386. The leucine at codon 129 is replaced by arginine, an amino acid with dissimilar properties. This amino acid position is conserved. In addition, the in silico prediction for this alteration is inconclusive. Based on the available evidence, the clinical significance of this variant remains unclear.